The following is an entry in ClinVar:

ClinVar aggregate classification (germline): Uncertain significance (1 of 4 stars; one submission).

Submission:

GeneDx
Classification: Uncertain significance. Last evaluated: 2022-07-28. Review status: criteria provided, single submitter. Criteria: GeneDx Variant Classification Process June 2021. Collection method: clinical testing. Allele origin: germline. Affected: yes.
Comment: Not observed at significant frequency in large population cohorts (gnomAD); In silico analysis supports that this missense variant has a deleterious effect on protein structure/function; Has not been previously published as pathogenic or benign to our knowledge

NM_198503.5(KCNT2):c.2846C>A (p.Ser949Tyr)

Gene: KCNT2 (potassium sodium-activated channel subfamily T member 2; minus strand). Cytogenetic location: 1q31.3.
Variant type: single nucleotide variant.
Coding change: c.2846C>A on transcript NM_198503.5 (MANE Select); coding-DNA position 2846, C replaced by A.
Protein change: p.Ser949Tyr; replaces serine 949 with tyrosine.
Molecular consequence: missense variant. On other transcripts: non-coding transcript variant (2).
Genome position (GRCh38, 1-based): chr1:196,280,924, G>T on the plus strand (C>A on the coding strand, the complement: KCNT2 is on the minus strand). VCF-style: chr1-196280924-G-T. GRCh37 (hg19) VCF-style: chr1-196250054-G-T.
Other names: c.2774C>A, p.Ser925Tyr (NM_001287819.3); c.2624C>A, p.Ser875Tyr (NM_001287820.3); short protein forms S875Y, S925Y, S949Y.
Identifiers: ClinVar variation 2412906 (VCV002412906.3), dbSNP rs370193320, ClinGen allele CA343974011.